The following is an entry in ClinVar:

NC_000004.11:g.(?_107268663)_(107268849_?)del

Gene: AIMP1 (aminoacyl tRNA synthetase complex interacting multifunctional protein 1; plus strand). Cytogenetic location: 4q24.
Variant type: Deletion.
Identifiers: ClinVar variation 3246736 (VCV003246736.1).

ClinVar aggregate classification (germline): Pathogenic (1 of 4 stars; one submission).

Submission:

Labcorp Genetics (formerly Invitae), Labcorp
Classification: Pathogenic. Last evaluated: 2023-05-15. Review status: criteria provided, single submitter. Criteria: Invitae Variant Classification Sherloc (09022015). Collection method: clinical testing. Allele origin: unknown.
Comment: For these reasons, this variant has been classified as Pathogenic. This variant disrupts a region of the AIMP1 protein in which other variant(s) (p.Asp282Gly) have been determined to be pathogenic (PMID: 30477741). This suggests that this is a clinically significant region of the protein, and that variants that disrupt it are likely to be disease-causing. A similar copy number variant has been observed in individual(s) with clinical features of AIMP1-related conditions (Invitae; external communication). This variant is a gross deletion of the genomic region encompassing exon(s) 7 of the AIMP1 gene, which includes the termination codon. This deletion extends beyond the assayed region for this gene and therefore may encompass additional genes. While this deletion is not anticipated to lead to nonsense mediated decay, it is expected to alter mRNA translation or result in a truncated protein product.

Literature cited by the submitters: PubMed 30477741.